The following is an entry in ClinVar:

NM_182931.3(KMT2E):c.1967G>A (p.Arg656Gln)

Gene: KMT2E (lysine methyltransferase 2E (inactive); plus strand). Cytogenetic location: 7q22.3.
Variant type: single nucleotide variant.
Coding change: c.1967G>A on transcript NM_182931.3 (MANE Select); coding-DNA position 1967, G replaced by A.
Protein change: p.Arg656Gln; replaces arginine 656 with glutamine.
Molecular consequence: missense variant.
Genome position (GRCh38, 1-based): chr7:105,101,965, G>A. VCF-style: chr7-105101965-G-A. GRCh37 (hg19) VCF-style: chr7-104742412-G-A.
Other names: c.1967G>A, p.Arg656Gln (NM_018682.4, NM_001410908.1); c.1967G>A (NM_182931.2); short protein forms R656Q.
Identifiers: ClinVar variation 2176578 (VCV002176578.5), dbSNP rs145908587, ClinGen allele CA4424132.

ClinVar aggregate classification (germline): Uncertain significance. Review status: criteria provided, multiple submitters, no conflicts (2 of 4 stars). 2 submissions from 2 submitters: Uncertain significance (2). Last evaluated 2025-08-11.

Conditions:
Inborn genetic diseases. Identifiers: MedGen C0950123, MeSH D030342.

Allele frequency attached by ClinVar (database versions not stated): ExAC 0.00001; gnomAD 0.00001; gnomAD exomes 0.00002; TOPMed 0.00003; ESP Exome Variant Server 0.00008.

Submissions (2):

Ambry Genetics
Classification: Uncertain significance for Inborn genetic diseases. Last evaluated: 2025-08-11. Review status: criteria provided, single submitter. Criteria: Ambry Variant Classification Scheme 2023. Collection method: clinical testing. Allele origin: germline.

Labcorp Genetics (formerly Invitae), Labcorp
Classification: Uncertain significance. Last evaluated: 2024-02-18. Review status: criteria provided, single submitter. Criteria: Invitae Variant Classification Sherloc (09022015). Collection method: clinical testing. Allele origin: germline.
Comment: This sequence change replaces arginine, which is basic and polar, with glutamine, which is neutral and polar, at codon 656 of the KMT2E protein (p.Arg656Gln). This variant is present in population databases (rs145908587, gnomAD 0.06%). This variant has not been reported in the literature in individuals affected with KMT2E-related conditions. ClinVar contains an entry for this variant (Variation ID: 2176578). Advanced modeling of protein sequence and biophysical properties (such as structural, functional, and spatial information, amino acid conservation, physicochemical variation, residue mobility, and thermodynamic stability) has been performed at Invitae for this missense variant, however the output from this modeling did not meet the statistical confidence thresholds required to predict the impact of this variant on KMT2E protein function. In summary, the available evidence is currently insufficient to determine the role of this variant in disease. Therefore, it has been classified as a Variant of Uncertain Significance.